The following is an entry in ClinVar:

ClinVar aggregate classification (germline): Uncertain significance (1 of 4 stars; one submission).

Conditions:
Long QT syndrome 6 (LQT6). Identifiers: Orphanet 101016, Orphanet 768, MedGen C3150953, MONDO:0013370, OMIM 613693.

gnomAD v4.1: 1 of 1,614,154 alleles (0.000062%); highest among the groups gnomAD compares: African/African-American, 0.0013%; no homozygotes.

Submission:

Labcorp Genetics (formerly Invitae), Labcorp
Classification: Uncertain significance for Long QT syndrome 6. Last evaluated: 2024-02-14. Review status: criteria provided, single submitter. Criteria: Invitae Variant Classification Sherloc (09022015). Collection method: clinical testing. Allele origin: germline.
Comment: This sequence change replaces proline, which is neutral and non-polar, with threonine, which is neutral and polar, at codon 83 of the KCNE2 protein (p.Pro83Thr). This variant is not present in population databases (gnomAD no frequency). This variant has not been reported in the literature in individuals affected with KCNE2-related conditions. An algorithm developed to predict the effect of missense changes on protein structure and function (PolyPhen-2) suggests that this variant is likely to be disruptive. In summary, the available evidence is currently insufficient to determine the role of this variant in disease. Therefore, it has been classified as a Variant of Uncertain Significance.

NM_172201.2(KCNE2):c.247C>A (p.Pro83Thr)

Genes: KCNE2 (potassium voltage-gated channel subfamily E regulatory subunit 2; plus strand), LOC105372791 (uncharacterized LOC105372791; minus strand). Cytogenetic location: 21q22.11.
Variant type: single nucleotide variant.
Coding change: c.247C>A on transcript NM_172201.2 (MANE Select); coding-DNA position 247, C replaced by A.
Protein change: p.Pro83Thr; replaces proline 83 with threonine.
Molecular consequence: missense variant. On other transcripts: non-coding transcript variant (2).
Genome position (GRCh38, 1-based): chr21:34,370,725, C>A. VCF-style: chr21-34370725-C-A. GRCh37 (hg19) VCF-style: chr21-35743024-C-A.
Other names: short protein forms P83T.
Identifiers: ClinVar variation 3688097 (VCV003688097.2).